The following is an entry in ClinVar:

NM_021619.3(PRDM12):c.541G>A (p.Gly181Ser)

Gene: PRDM12 (PR/SET domain 12; plus strand). Cytogenetic location: 9q34.12.
Variant type: single nucleotide variant.
Coding change: c.541G>A on transcript NM_021619.3 (MANE Select); coding-DNA position 541, G replaced by A.
Protein change: p.Gly181Ser; replaces glycine 181 with serine.
Molecular consequence: missense variant.
Genome position (GRCh38, 1-based): chr9:130,668,284, G>A. VCF-style: chr9-130668284-G-A. GRCh37 (hg19) VCF-style: chr9-133543671-G-A.
Other names: short protein forms G181S.
Identifiers: ClinVar variation 1747430 (VCV001747430.5), dbSNP rs1452741649, ClinGen allele CA375247174.

ClinVar aggregate classification (germline): Uncertain significance. Review status: criteria provided, multiple submitters, no conflicts (2 of 4 stars). 2 submissions from 2 submitters: Uncertain significance (2). Last evaluated 2023-12-23.

Conditions:
Inborn genetic diseases. Identifiers: MedGen C0950123, MeSH D030342.
Congenital insensitivity to pain-hypohidrosis syndrome. Also called: HSAN VIII; Neuropathy, hereditary sensory and autonomic, type VIII. Identifiers: Orphanet 478664, MedGen C4225308, MONDO:0014662, OMIM 616488.

Allele frequency attached by ClinVar (database versions not stated): gnomAD exomes below 0.00001; TOPMed 0.00001; gnomAD 0.00002.
gnomAD v4.1: 10 of 1,613,988 alleles (0.00062%); highest among the groups gnomAD compares: African/African-American, 0.004%; no homozygotes.

Submissions (2):

Labcorp Genetics (formerly Invitae), Labcorp
Classification: Uncertain significance for Congenital insensitivity to pain-hypohidrosis syndrome. Last evaluated: 2023-12-23. Review status: criteria provided, single submitter. Criteria: Invitae Variant Classification Sherloc (09022015). Collection method: clinical testing. Allele origin: germline.
Comment: This sequence change replaces glycine, which is neutral and non-polar, with serine, which is neutral and polar, at codon 181 of the PRDM12 protein (p.Gly181Ser). This variant is not present in population databases (gnomAD no frequency). This variant has not been reported in the literature in individuals affected with PRDM12-related conditions. ClinVar contains an entry for this variant (Variation ID: 1747430). Advanced modeling of protein sequence and biophysical properties (such as structural, functional, and spatial information, amino acid conservation, physicochemical variation, residue mobility, and thermodynamic stability) performed at Invitae indicates that this missense variant is not expected to disrupt PRDM12 protein function with a negative predictive value of 80%. In summary, the available evidence is currently insufficient to determine the role of this variant in disease. Therefore, it has been classified as a Variant of Uncertain Significance.

Ambry Genetics
Classification: Uncertain significance for Inborn genetic diseases. Last evaluated: 2021-09-27. Review status: criteria provided, single submitter. Criteria: Ambry Variant Classification Scheme 2023. Collection method: clinical testing. Allele origin: germline.